The following is an entry in ClinVar:

NM_001081.4(CUBN):c.6894_6901dup (p.Leu2301Ter)

Gene: CUBN (cubilin; minus strand). Cytogenetic location: 10p13.
Variant type: Duplication.
Coding change: c.6894_6901dup on transcript NM_001081.4 (MANE Select); coding-DNA positions 6894 to 6901, 8 bases duplicated (GACATCTT; older notation c.6894_6901dupGACATCTT).
Protein change: p.Leu2301Ter; replaces leucine 2301 with a stop codon.
Molecular consequence: nonsense. On other transcripts: frameshift variant (1).
Genome position (GRCh38, 1-based): chr10:16,918,721-16,918,728, AAGATGTC duplicated on the plus strand (GACATCTT on the coding strand, the reverse complement: CUBN is on the minus strand). VCF-style (leftmost placement, unchanged base first): chr10-16918720-A-AAAGATGTC. GRCh37 (hg19) VCF-style: chr10-16960719-A-AAAGATGTC.
Other names: c.6894_6901dupGACATCTT (NM_001081.3); short protein forms L2301*.
Identifiers: ClinVar variation 1805548 (VCV001805548.2), dbSNP rs1399856074, ClinGen allele CA592313397.

ClinVar aggregate classification (germline): Pathogenic/Likely pathogenic. Review status: criteria provided, multiple submitters, no conflicts (2 of 4 stars). 2 submissions from 2 submitters: Pathogenic (1); Likely pathogenic (1). Last evaluated 2024-02-20.

Conditions:
Imerslund-Grasbeck syndrome type 1 (IGS1). Also called: Megaloblastic anemia 1, Finnish type; MEGALOBLASTIC ANEMIA, 1; Imerslund-Gräsbeck syndrome 1. Identifiers: MedGen C4016819, MONDO:0100156, OMIM 261100.
Proteinuria, chronic benign. Identifiers: MedGen C5394384, MONDO:0030042, OMIM 618884.

Allele frequency attached by ClinVar (database versions not stated): TOPMed below 0.00001; gnomAD 0.00001.

Submissions (2):

Fulgent Genetics
Classification: Likely pathogenic for Imerslund-Grasbeck syndrome type 1; Proteinuria, chronic benign. Last evaluated: 2024-02-20. Review status: criteria provided, single submitter. Criteria: ACMG Guidelines, 2015. Collection method: clinical testing. Allele origin: germline.

Victorian Clinical Genetics Services, Murdoch Childrens Research Institute
Classification: Pathogenic for Imerslund-Grasbeck syndrome type 1. Last evaluated: 2020-05-21. Review status: criteria provided, single submitter. Criteria: ACMG Guidelines, 2015. Collection method: clinical testing. Allele origin: germline. Inheritance: Autosomal recessive inheritance.
Comment: A heterozygous duplication variant was identified, NM_001081.3(CUBN):c.6894_6901dup in exon 45 of 67 of the CUBN gene. This duplication variant is predicted to result in a change of a leucine to a stop at amino acid position 2301 of the protein; NP_001072.2(CUBN):p.(Leu2301*), resulting in the loss of normal protein function through nonsense-mediated decay (NMD). The variant is present in the gnomAD population database at a frequency of 0.003% (1 heterozygote; 0 homozygotes). The variant has not been previously reported in clinical cases, however, other variants predicted to cause NMD have been reported as pathogenic in individuals with CUBN-related nephropathy (ClinVar). Based on information available at the time of curation, this variant has been classified as PATHOGENIC.